The following is an entry in ClinVar:

ClinVar aggregate classification (germline): Uncertain significance (1 of 4 stars; one submission).

Submission:

Women's Health and Genetics/Laboratory Corporation of America, LabCorp
Classification: Uncertain significance. Last evaluated: 2024-01-25. Review status: criteria provided, single submitter. Criteria: LabCorp Variant Classification Summary - May 2015. Collection method: clinical testing. Allele origin: germline.
Comment: Variant summary: DLG3 c.992C>T (p.Thr331Ile) results in a non-conservative amino acid change located in the PDZ-associated domain (IPR019583) of the encoded protein sequence. Three of five in-silico tools predict a damaging effect of the variant on protein function. The variant was absent in 183280 control chromosomes (gnomAD v2.1). The available data on variant occurrences in the general population are insufficient to allow any conclusion about variant significance. To our knowledge, no occurrence of c.992C>T in individuals affected with Intellectual Disability, X-Linked 90 and no experimental evidence demonstrating its impact on protein function have been reported. No submitters have cited clinical-significance assessments for this variant to ClinVar. Based on the evidence outlined above, the variant was classified as uncertain significance.

NM_021120.4(DLG3):c.992C>T (p.Thr331Ile)

Gene: DLG3 (discs large MAGUK scaffold protein 3; plus strand). Cytogenetic location: Xq13.1.
Variant type: single nucleotide variant.
Coding change: c.992C>T on transcript NM_021120.4 (MANE Select); coding-DNA position 992, C replaced by T.
Protein change: p.Thr331Ile; replaces threonine 331 with isoleucine.
Molecular consequence: missense variant.
Genome position (GRCh38, 1-based): chrX:70,451,873, C>T. VCF-style: chrX-70451873-C-T. GRCh37 (hg19) VCF-style: chrX-69671723-C-T.
Other names: short protein forms T331I.
Identifiers: ClinVar variation 3063675 (VCV003063675.1), dbSNP rs2519734806, ClinGen allele CA413493712.